The following is an entry in ClinVar:

NM_015404.4(WHRN):c.2062C>T (p.His688Tyr)

Gene: WHRN (whirlin; minus strand). Cytogenetic location: 9q32.
Variant type: single nucleotide variant.
Coding change: c.2062C>T on transcript NM_015404.4 (MANE Select); coding-DNA position 2062, C replaced by T.
Protein change: p.His688Tyr; replaces histidine 688 with tyrosine.
Molecular consequence: missense variant.
Genome position (GRCh38, 1-based): chr9:114,406,529, G>A on the plus strand (C>T on the coding strand, the complement: WHRN is on the minus strand). VCF-style: chr9-114406529-G-A. GRCh37 (hg19) VCF-style: chr9-117168809-G-A.
Other names: c.913C>T, p.His305Tyr (NM_001083885.3); c.2062C>T, p.His688Tyr (NM_001173425.2); c.1009C>T, p.His337Tyr (NM_001346890.1); short protein forms H688Y, H305Y, H337Y.
Identifiers: ClinVar variation 1042041 (VCV001042041.7), dbSNP rs957399804, ClinGen allele CA198649970.

ClinVar aggregate classification (germline): Uncertain significance (1 of 4 stars; one submission).

Allele frequency attached by ClinVar (database versions not stated): gnomAD exomes below 0.00001 and 0.00001; TOPMed 0.00001.

Submission:

Labcorp Genetics (formerly Invitae), Labcorp
Classification: Uncertain significance. Last evaluated: 2024-02-05. Review status: criteria provided, single submitter. Criteria: Invitae Variant Classification Sherloc (09022015). Collection method: clinical testing. Allele origin: germline.
Comment: This sequence change replaces histidine, which is basic and polar, with tyrosine, which is neutral and polar, at codon 688 of the WHRN protein (p.His688Tyr). This variant is present in population databases (no rsID available, gnomAD 0.003%). This variant has not been reported in the literature in individuals affected with WHRN-related conditions. ClinVar contains an entry for this variant (Variation ID: 1042041). An algorithm developed to predict the effect of missense changes on protein structure and function (PolyPhen-2) suggests that this variant¬†is likely to be tolerated. In summary, the available evidence is currently insufficient to determine the role of this variant in disease. Therefore, it has been classified as a Variant of Uncertain Significance.